The following is an entry in ClinVar:

ClinVar aggregate classification (germline): Uncertain significance (1 of 4 stars; one submission).

Allele frequency attached by ClinVar (database versions not stated): TOPMed below 0.00001; gnomAD exomes 0.00001.
gnomAD v4.1: 5 of 1,614,116 alleles (0.00031%); highest among the groups gnomAD compares: South Asian, 0.0022%; no homozygotes.

Submission:

CeGaT Center for Human Genetics Tuebingen
Classification: Uncertain significance. Last evaluated: 2023-09-01. Review status: criteria provided, single submitter. Criteria: CeGaT Center For Human Genetics Tuebingen Variant Classification Criteria Version 2. Collection method: clinical testing. Allele origin: germline. Affected: yes. Observed: 1 variant allele.
Comment: ZFHX3: PM2, PP3

NM_006885.4(ZFHX3):c.6443C>T (p.Pro2148Leu)

Genes: ZFHX3 (zinc finger homeobox 3; minus strand), ZFHX3-AS1 (ZFHX3 antisense RNA 1; plus strand). Cytogenetic location: 16q22.2.
Variant type: single nucleotide variant.
Coding change: c.6443C>T on transcript NM_006885.4 (MANE Select); coding-DNA position 6443, C replaced by T.
Protein change: p.Pro2148Leu; replaces proline 2148 with leucine.
Molecular consequence: missense variant.
Genome position (GRCh38, 1-based): chr16:72,796,239, G>A on the plus strand (C>T on the coding strand, the complement: ZFHX3 is on the minus strand). VCF-style: chr16-72796239-G-A. GRCh37 (hg19) VCF-style: chr16-72830138-G-A.
Other names: c.3701C>T, p.Pro1234Leu (NM_001164766.2); c.6443C>T, p.Pro2148Leu (NM_001386735.1); short protein forms P1234L, P2148L.
Identifiers: ClinVar variation 2646826 (VCV002646826.24), dbSNP rs1355338329, ClinGen allele CA396729438.